The following is an entry in ClinVar:

ClinVar aggregate classification (germline): Uncertain significance (1 of 4 stars; one submission).

Conditions:
Familial thoracic aortic aneurysm and aortic dissection (TAAD). Also called: Thoracic aortic aneurysms and dissections. Identifiers: Orphanet 91387, MedGen C4707243, MONDO:0019625.

Allele frequency attached by ClinVar (database versions not stated): gnomAD exomes below 0.00001.
gnomAD v4.1: 1 of 1,614,136 alleles (0.000062%); highest among the groups gnomAD compares: Non-Finnish European, 0.000085%; no homozygotes.

Submission:

Ambry Genetics
Classification: Uncertain significance for Familial thoracic aortic aneurysm and aortic dissection. Last evaluated: 2022-02-02. Review status: criteria provided, single submitter. Criteria: Ambry Variant Classification Scheme 2023. Collection method: clinical testing. Allele origin: germline.
Comment: The p.V207A variant (also known as c.620T>C), located in coding exon 5 of the MYLK gene, results from a T to C substitution at nucleotide position 620. The valine at codon 207 is replaced by alanine, an amino acid with similar properties. This amino acid position is conserved. In addition, this alteration is predicted to be tolerated by in silico analysis. Since supporting evidence is limited at this time, the clinical significance of this alteration remains unclear.

NM_053025.4(MYLK):c.620T>C (p.Val207Ala)

Gene: MYLK (myosin light chain kinase; minus strand). Cytogenetic location: 3q21.1.
Variant type: single nucleotide variant.
Coding change: c.620T>C on transcript NM_053025.4 (MANE Select); coding-DNA position 620, T replaced by C.
Protein change: p.Val207Ala; replaces valine 207 with alanine.
Molecular consequence: missense variant.
Genome position (GRCh38, 1-based): chr3:123,737,512, A>G on the plus strand (T>C on the coding strand, the complement: MYLK is on the minus strand). VCF-style: chr3-123737512-A-G. GRCh37 (hg19) VCF-style: chr3-123456359-A-G.
Other names: c.92T>C, p.Val31Ala (NM_001321309.2); c.620T>C, p.Val207Ala (NM_053026.4, NM_053027.4, NM_053028.4); short protein forms V31A, V207A.
Identifiers: ClinVar variation 1752214 (VCV001752214.2), dbSNP rs1047996567, ClinGen allele CA82944770.